The following is an entry in ClinVar:

NM_020778.5(ALPK3):c.135dup (p.Glu46fs)

Gene: ALPK3 (alpha kinase 3; plus strand). Cytogenetic location: 15q25.3.
Variant type: Duplication.
Coding change: c.135dup on transcript NM_020778.5 (MANE Select); coding-DNA position 135, one base duplicated (C; older notation c.135dupC).
Protein change: p.Glu46fs; shifts the reading frame from glutamic acid 46.
Molecular consequence: frameshift variant.
Genome position (GRCh38, 1-based): chr15:84,817,587, C duplicated; the last of 3 consecutive C bases (chr15:84,817,585-84,817,587); duplicating any one gives the same sequence. VCF-style (leftmost placement, unchanged base first): chr15-84817584-G-GC. GRCh37 (hg19) VCF-style: chr15-85360815-G-GC.
Other names: c.741dupC (NM_020778.4); short protein forms E46fs.
Identifiers: ClinVar variation 1937904 (VCV001937904.6), dbSNP rs1220418124, ClinGen allele CA716457780.
Genomic context (GRCh38, chr15:84,817,584, plus strand): 5'-GGACGACGGCCCCGTGTGGATCCCCAGCCCAGCCAGCCGGAGCTACCTGCTCAGCGTGCG[G>GC]CCCGAGACCAGGTAAGTGGCACCAAGGGGCAGGGCGGCGTCGGGCCGGCGATGCCCTGGG-3'

ClinVar aggregate classification (germline): Pathogenic. Review status: criteria provided, multiple submitters, no conflicts (2 of 4 stars). 2 submissions from 2 submitters: Pathogenic (2). Last evaluated 2025-08-06.

Conditions:
Cardiovascular phenotype. Identifiers: MedGen CN230736.

Submissions (2):

Ambry Genetics
Classification: Pathogenic for Cardiovascular phenotype. Last evaluated: 2025-08-06. Review status: criteria provided, single submitter. Criteria: Ambry Variant Classification Scheme 2023. Collection method: clinical testing. Allele origin: germline.
Comment: The c.741dupC pathogenic mutation, located in coding exon 1 of the ALPK3 gene, results from a duplication of C at nucleotide position 741, causing a translational frameshift with a predicted alternate stop codon (p.E248Rfs*35). This variant is considered to be rare based on population cohorts in the Genome Aggregation Database (gnomAD). This alteration is expected to result in loss of function by premature protein truncation or nonsense-mediated mRNA decay. As such, this alteration is interpreted as a disease-causing mutation.

Labcorp Genetics (formerly Invitae), Labcorp
Classification: Pathogenic. Last evaluated: 2025-06-22. Review status: criteria provided, single submitter. Criteria: Invitae Variant Classification Sherloc (09022015). Collection method: clinical testing. Allele origin: germline.
Comment: This sequence change creates a premature translational stop signal (p.Glu248Argfs*35) in the ALPK3 gene. It is expected to result in an absent or disrupted protein product. Loss-of-function variants in ALPK3 are known to be pathogenic (PMID: 21441111, 26846950, 27106955, 34263907). This variant is not present in population databases (gnomAD no frequency). This variant has not been reported in the literature in individuals affected with ALPK3-related conditions. ClinVar contains an entry for this variant (Variation ID: 1937904). For these reasons, this variant has been classified as Pathogenic.

Literature cited by the submitters: PubMed 21441111 (cited by Labcorp Genetics (formerly Invitae), Labcorp); PubMed 26846950 (cited by Labcorp Genetics (formerly Invitae), Labcorp); PubMed 27106955 (cited by Labcorp Genetics (formerly Invitae), Labcorp); PubMed 34263907 (cited by Labcorp Genetics (formerly Invitae), Labcorp).